The following is an entry in ClinVar:

NM_001128178.3(NPHP1):c.635AAG[5] (p.Glu215dup)

Gene: NPHP1 (nephrocystin 1; minus strand). Cytogenetic location: 2q13.
Variant type: Microsatellite.
Coding change: c.635AAG[5] on transcript NM_001128178.3 (MANE Select); five copies in a row of the 3-base unit AAG starting at c.635; the reference has four copies in a row; one copy, 3 bases duplicated.
Protein change: p.Glu215dup; duplicates glutamic acid 215.
Molecular consequence: inframe insertion.
Genome position (GRCh38, 1-based): chr2:110,165,134-110,165,136, CTT duplicated on the plus strand (AAG on the coding strand, the reverse complement: NPHP1 is on the minus strand); duplicating any 3 consecutive bases within chr2:110,165,134-110,165,146 gives the same sequence; the position shown is the placement nearest the transcript's 3' end. VCF-style (leftmost placement, unchanged base first): chr2-110165133-C-CCTT. GRCh37 (hg19) VCF-style: chr2-110922710-C-CCTT.
Other names: p.Glu215dup; c.644_646dup (NM_000272.3); c.635AAG[5], p.Glu215dup (NM_207181.4, NM_000272.5, NM_001374256.1 and 1 more transcripts); c.449AAG[5], p.Glu153dup (NM_001128179.3).
Identifiers: ClinVar variation 198410 (VCV000198410.27), dbSNP rs777677768, ClinGen allele CA247051.

ClinVar aggregate classification (germline): Conflicting classifications of pathogenicity. Review status: criteria provided, conflicting classifications (1 of 4 stars). 8 submissions from 8 submitters: Uncertain significance (7); Likely benign (1). Last evaluated 2026-04-14.

Conditions:
NPHP1-related disorder. Also called: NPHP1-related condition; NPHP1-related disorders.
Nephronophthisis. Also called: Juvenile Nephronophthisis. Identifiers: Orphanet 655, MedGen C0687120, MONDO:0019005, HP:0000090.
Joubert syndrome with renal defect. Also called: JOUBERT SYNDROME 4. Identifiers: Orphanet 220497, MedGen C1846790, MONDO:0012308, OMIM 609583.
Senior-Loken syndrome 1 (SLSN1). Also called: JUVENILE NEPHRONOPHTHISIS WITH LEBER AMAUROSIS. Identifiers: Orphanet 3156, MedGen C4551559, MONDO:0009962, OMIM 266900.
Nephronophthisis 1 (NPHP1). Also called: Nephronophthisis familial juvenile. Identifiers: Orphanet 655, Orphanet 93592, MedGen C1855681, MONDO:0009728, OMIM 256100.

Submissions (8):

PreventionGenetics, part of Exact Sciences
Classification: Uncertain significance for NPHP1-related condition. Last evaluated: 2026-04-14. Review status: criteria provided, single submitter. Criteria: ACMG Guidelines, 2015. Collection method: clinical testing. Allele origin: germline.
Comment: The NPHP1 c.644_646dupAAG variant is predicted to result in an in-frame duplication (p.Glu215dup). To our knowledge, this variant has not been reported in the literature. This variant is reported in 0.072% of alleles in individuals of Latino descent in gnomAD, including one homozygote, which may be too frequent to be a primary case of disease. Although we suspect this variant may be benign, at this time, the clinical significance of this variant is uncertain due to the absence of conclusive functional and genetic evidence.

Fulgent Genetics
Classification: Likely benign for Nephronophthisis 1; Senior-Loken syndrome 1; Joubert syndrome with renal defect. Last evaluated: 2024-03-01. Review status: criteria provided, single submitter. Criteria: ACMG Guidelines, 2015. Collection method: clinical testing. Allele origin: germline.

Labcorp Genetics (formerly Invitae), Labcorp
Classification: Uncertain significance for Nephronophthisis. Last evaluated: 2024-01-08. Review status: criteria provided, single submitter. Criteria: Invitae Variant Classification Sherloc (09022015). Collection method: clinical testing. Allele origin: germline.
Comment: This variant, c.644_646dup, results in the insertion of 1 amino acid(s) of the NPHP1 protein (p.Glu215dup), but otherwise preserves the integrity of the reading frame. This variant is present in population databases (rs777677768, gnomAD 0.07%), including at least one homozygous and/or hemizygous individual. This variant has not been reported in the literature in individuals affected with NPHP1-related conditions. ClinVar contains an entry for this variant (Variation ID: 198410). Experimental studies and prediction algorithms are not available or were not evaluated, and the functional significance of this variant is currently unknown. In summary, the available evidence is currently insufficient to determine the role of this variant in disease. Therefore, it has been classified as a Variant of Uncertain Significance.

Mayo Clinic Laboratories, Mayo Clinic
Classification: Uncertain significance. Last evaluated: 2021-12-29. Review status: criteria provided, single submitter. Criteria: ACMG Guidelines, 2015. Collection method: clinical testing. Allele origin: germline.

GeneDx
Classification: Uncertain significance. Last evaluated: 2021-08-18. Review status: criteria provided, single submitter. Criteria: GeneDx Variant Classification Process June 2021. Collection method: clinical testing. Allele origin: germline. Affected: yes.
Comment: Has not been previously published as pathogenic or benign to our knowledge

Department of Pathology and Laboratory Medicine, Sinai Health System
Classification: Uncertain significance for Nephronophthisis 1; Senior-Loken syndrome 1; Joubert syndrome with renal defect. Last evaluated: 2021-07-30. Review status: criteria provided, single submitter. Criteria: ACMG Guidelines, 2015. Collection method: research. Allele origin: germline.

Eurofins Ntd Llc (ga)
Classification: Uncertain significance. Last evaluated: 2014-11-15. Review status: criteria provided, single submitter. Criteria: EGL Classification Definitions. Collection method: clinical testing. Allele origin: germline. Observed: 1 variant allele, 1 heterozygote.

Breakthrough Genomics
Classification: Uncertain significance. Review status: criteria provided, single submitter. Criteria: ACMG Guidelines, 2015. Collection method: not provided. Allele origin: germline. Inheritance: Autosomal recessive inheritance. Affected: yes.